The following is an entry in ClinVar:

NM_000093.5(COL5A1):c.924+35C>A

Gene: COL5A1 (collagen type V alpha 1 chain; plus strand). Cytogenetic location: 9q34.3.
Variant type: single nucleotide variant.
Coding change: c.924+35C>A on transcript NM_000093.5 (MANE Select); 35 bases into the intron after coding-DNA position 924, C replaced by A.
Molecular consequence: intron variant.
Genome position (GRCh38, 1-based): chr9:134,728,842, C>A. VCF-style: chr9-134728842-C-A. GRCh37 (hg19) VCF-style: chr9-137620688-C-A.
Other names: c.924+35C>A (NM_001278074.1).
Identifiers: ClinVar variation 675816 (VCV000675816.2), dbSNP rs112243377, ClinGen allele CA5318580.

ClinVar aggregate classification (germline): Benign. Review status: criteria provided, multiple submitters, no conflicts (2 of 4 stars). 2 submissions from 2 submitters: Benign (2). Last evaluated 2018-06-14.

Allele frequency attached by ClinVar (database versions not stated): ExAC 0.00591; 1000 Genomes Project 0.01438; 1000 Genomes Project 30x 0.01483; gnomAD 0.01719; TOPMed 0.01984; ESP Exome Variant Server 0.02053.
gnomAD v4.1: 5,686 of 1,613,378 alleles (0.35%); highest among the groups gnomAD compares: African/African-American, 6.1%; 161 homozygotes.

Submissions (2):

GeneDx
Classification: Benign. Last evaluated: 2018-06-14. Review status: criteria provided, single submitter. Criteria: GeneDx Variant Classification (06012015). Collection method: clinical testing. Allele origin: germline. Affected: yes.
Comment: This variant is considered likely benign or benign based on one or more of the following criteria: it is a conservative change, it occurs at a poorly conserved position in the protein, it is predicted to be benign by multiple in silico algorithms, and/or has population frequency not consistent with disease.

Breakthrough Genomics
Classification: Benign. Review status: criteria provided, single submitter. Criteria: ACMG Guidelines, 2015. Collection method: not provided. Allele origin: germline. Inheritance: Autosomal dominant inheritance. Affected: yes.